The following is an entry in ClinVar:

NM_014283.5(SUCO):c.472A>G (p.Ile158Val)

Gene: SUCO (SUN domain containing ossification factor; plus strand). Cytogenetic location: 1q24.3.
Variant type: single nucleotide variant.
Coding change: c.472A>G on transcript NM_014283.5 (MANE Select); coding-DNA position 472, A replaced by G.
Protein change: p.Ile158Val; replaces isoleucine 158 with valine.
Molecular consequence: missense variant. On other transcripts: 5 prime UTR variant (1).
Genome position (GRCh38, 1-based): chr1:172,557,308, A>G. VCF-style: chr1-172557308-A-G. GRCh37 (hg19) VCF-style: chr1-172526448-A-G.
Other names: c.361A>G, p.Ile121Val (NM_001282750.2); c.-1058A>G (NM_001282751.2); c.946A>G, p.Ile316Val (NM_016227.4); short protein forms I121V, I158V, I316V.
Identifiers: ClinVar variation 4799711 (VCV004799711.1).

ClinVar aggregate classification (germline): Uncertain significance (1 of 4 stars; one submission).

gnomAD v4.1: 8 of 1,613,772 alleles (0.0005%); highest among the groups gnomAD compares: African/African-American, 0.008%; no homozygotes.

Submission:

Labcorp Genetics (formerly Invitae), Labcorp
Classification: Uncertain significance. Last evaluated: 2025-12-23. Review status: criteria provided, single submitter. Criteria: Invitae Variant Classification Sherloc (09022015). Collection method: clinical testing. Allele origin: germline.
Comment: This sequence change replaces isoleucine, which is neutral and non-polar, with valine, which is neutral and non-polar, at codon 158 of the SUCO protein (p.Ile158Val). This variant is present in population databases (rs752850850, gnomAD 0.007%). This variant has not been reported in the literature in individuals affected with SUCO-related conditions. An algorithm developed to predict the effect of missense changes on protein structure and function outputs the following: PolyPhen-2: "Benign". The valine amino acid residue is found in multiple mammalian species, which suggests that this missense change does not adversely affect protein function. In summary, the available evidence is currently insufficient to determine the role of this variant in disease. Therefore, it has been classified as a Variant of Uncertain Significance.